The following is an entry in ClinVar:

NM_000059.4(BRCA2):c.6737C>T (p.Pro2246Leu)

Gene: BRCA2 (BRCA2 DNA repair associated; plus strand). Cytogenetic location: 13q13.1.
Variant type: single nucleotide variant.
Coding change: c.6737C>T on transcript NM_000059.4 (MANE Select); coding-DNA position 6737, C replaced by T.
Protein change: p.Pro2246Leu; replaces proline 2246 with leucine.
Molecular consequence: missense variant. On other transcripts: non-coding transcript variant (1), intron variant (2).
Genome position (GRCh38, 1-based): chr13:32,341,092, C>T. VCF-style: chr13-32341092-C-T. GRCh37 (hg19) VCF-style: chr13-32915229-C-T.
Other names: c.6737C>T, p.Pro2246Leu (NM_001406719.1, NM_001406720.1); c.1910-3466C>T (NM_001406721.1); c.425-3466C>T (NM_001406722.1); short protein forms P2246L.
Identifiers: ClinVar variation 3251335 (VCV003251335.1), dbSNP rs587782038.

ClinVar aggregate classification (germline): Uncertain significance (1 of 4 stars; one submission).

Submission:

Women's Health and Genetics/Laboratory Corporation of America, LabCorp
Classification: Uncertain significance. Last evaluated: 2024-04-12. Review status: criteria provided, single submitter. Criteria: LabCorp Variant Classification Summary - May 2015. Collection method: clinical testing. Allele origin: germline.
Comment: Variant summary: BRCA2 c.6737C>T (p.Pro2246Leu) results in a non-conservative amino acid change in the encoded protein sequence. Four of five in-silico tools predict a benign effect of the variant on protein function. The variant was absent in 251356 control chromosomes (gnomAD). The available data on variant occurrences in the general population are insufficient to allow any conclusion about variant significance. To our knowledge, no occurrence of c.6737C>T in individuals affected with Hereditary Breast And Ovarian Cancer Syndrome and no experimental evidence demonstrating its impact on protein function have been reported. No submitters have cited clinical-significance assessments for this variant to ClinVar. Based on the evidence outlined above, the variant was classified as uncertain significance.